The following is an entry in ClinVar:

NM_001005361.3(DNM2):c.45A>G (p.Lys15=)

Genes: DNM2 (dynamin 2; plus strand), LOC130063529 (ATAC-STARR-seq lymphoblastoid silent region 10090; plus strand). Cytogenetic location: 19p13.2.
Variant type: single nucleotide variant.
Coding change: c.45A>G on transcript NM_001005361.3 (MANE Select); coding-DNA position 45, A replaced by G.
Protein change: p.Lys15=; no amino-acid change (lysine 15 retained).
Molecular consequence: synonymous variant.
Genome position (GRCh38, 1-based): chr19:10,718,287, A>G. VCF-style: chr19-10718287-A-G. GRCh37 (hg19) VCF-style: chr19-10828963-A-G.
Other names: c.45A>G, p.Lys15= (NM_001005360.3, NM_001005362.3, NM_001190716.2 and 1 more transcripts); c.45A>G (NM_001005360.2).
Identifiers: ClinVar variation 1540252 (VCV001540252.9), dbSNP rs2145637652, ClinGen allele CA505483380.

ClinVar aggregate classification (germline): Likely benign. Review status: criteria provided, multiple submitters, no conflicts (2 of 4 stars). 2 submissions from 2 submitters: Likely benign (2). Last evaluated 2026-08-25.

Conditions:
DNM2-related disorder. Also called: DNM2-related condition.
Charcot-Marie-Tooth disease dominant intermediate B (CMTDIB). Also called: Charcot-Marie-Tooth disease dominant intermediate 1; CMT DI1; Charcot-Marie-Tooth disease dominant intermediate I; CHARCOT-MARIE-TOOTH NEUROPATHY, DOMINANT INTERMEDIATE B. Identifiers: Orphanet 100044, Orphanet 228179, MedGen C1847902, MONDO:0011674, OMIM 606482.

Allele frequency attached by ClinVar (database versions not stated): gnomAD exomes below 0.00001.
gnomAD v4.1: 1 of 1,499,938 alleles (0.000067%); highest among the groups gnomAD compares: African/African-American, 0.0014%; no homozygotes.

Submissions (2):

PreventionGenetics, part of Exact Sciences
Classification: Likely benign for DNM2-related condition. Last evaluated: 2026-08-25. Review status: criteria provided, single submitter. Criteria: ACMG Guidelines, 2015. Collection method: clinical testing. Allele origin: germline.
Comment: This variant is classified as likely benign based on ACMG/AMP sequence variant interpretation guidelines (Richards et al. 2015 PMID: 25741868, with internal and published modifications).

Labcorp Genetics (formerly Invitae), Labcorp
Classification: Likely benign for Charcot-Marie-Tooth disease dominant intermediate B. Last evaluated: 2025-10-04. Review status: criteria provided, single submitter. Criteria: Invitae Variant Classification Sherloc (09022015). Collection method: clinical testing. Allele origin: germline.